The following is an entry in ClinVar:

ClinVar aggregate classification (germline): Uncertain significance (1 of 4 stars; one submission).

Conditions:
Cardiovascular phenotype. Identifiers: MedGen CN230736.

Allele frequency attached by ClinVar (database versions not stated): gnomAD exomes below 0.00001.
gnomAD v4.1: 1 of 1,485,460 alleles (0.000067%); highest among the groups gnomAD compares: Admixed American, 0.0022%; no homozygotes.

Submission:

Ambry Genetics
Classification: Uncertain significance for Cardiovascular phenotype. Last evaluated: 2020-11-09. Review status: criteria provided, single submitter. Criteria: Ambry Variant Classification Scheme 2023. Collection method: clinical testing. Allele origin: germline.
Comment: The p.G187D variant (also known as c.560G>A), located in coding exon 2 of the JPH2 gene, results from a G to A substitution at nucleotide position 560. The glycine at codon 187 is replaced by aspartic acid, an amino acid with similar properties. This amino acid position is not well conserved in available vertebrate species, and aspartic acid is the reference amino acid in other vertebrate species. In addition, this alteration is predicted to be tolerated by in silico analysis. Since supporting evidence is limited at this time, the clinical significance of this alteration remains unclear.

NM_020433.5(JPH2):c.560G>A (p.Gly187Asp)

Gene: JPH2 (junctophilin 2; minus strand). Cytogenetic location: 20q13.12.
Variant type: single nucleotide variant.
Coding change: c.560G>A on transcript NM_020433.5 (MANE Select); coding-DNA position 560, G replaced by A.
Protein change: p.Gly187Asp; replaces glycine 187 with aspartic acid.
Molecular consequence: missense variant.
Genome position (GRCh38, 1-based): chr20:44,160,227, C>T on the plus strand (G>A on the coding strand, the complement: JPH2 is on the minus strand). VCF-style: chr20-44160227-C-T. GRCh37 (hg19) VCF-style: chr20-42788867-C-T.
Other names: short protein forms G187D.
Identifiers: ClinVar variation 1748624 (VCV001748624.2), dbSNP rs1369776361, ClinGen allele CA409094136.
Genomic context (GRCh38, chr20:44,160,227, plus strand): 5'-TTGGCCAGGAGGCTGAGCGCGAAGCCGCCACGCGGGATGGCGGGCGAGGGCAGCGCGGGG[C>T]CGTCGGAGGCCGGCGAGGCGGGAGAGTCCGGGGCCACCGTGCCGTTGCTGTGCTCGCTGC-3'
Protein context (NP_065166.2, residues 177-197): PDSPASPASD[Gly187Asp]PALPSPAIPR